The following is an entry in ClinVar:

ClinVar aggregate classification (germline): Pathogenic (1 of 4 stars; one submission).

Submission:

Labcorp Genetics (formerly Invitae), Labcorp
Classification: Pathogenic. Last evaluated: 2022-02-09. Review status: criteria provided, single submitter. Criteria: Invitae Variant Classification Sherloc (09022015). Collection method: clinical testing. Allele origin: germline.
Comment: For these reasons, this variant has been classified as Pathogenic. ClinVar contains an entry for this variant (Variation ID: 1075838). This variant has not been reported in the literature in individuals affected with VPS13A-related conditions. This variant is not present in population databases (gnomAD no frequency). This sequence change creates a premature translational stop signal (p.Ser25Valfs*20) in the VPS13A gene. It is expected to result in an absent or disrupted protein product. Loss-of-function variants in VPS13A are known to be pathogenic (PMID: 12404112, 21598378).

Literature cited by the submitters: PubMed 12404112; PubMed 21598378.

NM_033305.3(VPS13A):c.72dup (p.Ser25fs)

Genes: VPS13A (vacuolar protein sorting 13 homolog A; plus strand), VPS13A-AS1 (VPS13A antisense RNA 1; minus strand). Cytogenetic location: 9q21.2.
Variant type: Duplication.
Coding change: c.72dup on transcript NM_033305.3 (MANE Select); coding-DNA position 72, one base duplicated (G; older notation c.72dupG).
Protein change: p.Ser25fs; shifts the reading frame from serine 25.
Molecular consequence: frameshift variant. On other transcripts: non-coding transcript variant (1).
Genome position (GRCh38, 1-based): chr9:77,177,776, G duplicated. VCF-style (leftmost placement, unchanged base first): chr9-77177775-C-CG. GRCh37 (hg19) VCF-style: chr9-79792691-C-CG.
Other names: c.72dup, p.Ser25fs (NM_001018037.2, NM_001018038.3, NM_015186.4); short protein forms S25fs.
Identifiers: ClinVar variation 1075838 (VCV001075838.7), dbSNP rs2131030226, ClinGen allele CA2499219949.
Genomic context (GRCh38, chr9:77,177,775, plus strand): 5'-AGTCGGTGGTCGTGGACGTGTTGAACCGGTTCTTGGGGGACTATGTGGTGGACTTGGACA[C>CG]GTCCCAGCTCTCTCTGGGCATCTGGAAAGGTAAGGAGGCCGCCGCCGCCGCTCCCCGGCC-3'